The following is an entry in ClinVar:

ClinVar aggregate classification (germline): Uncertain significance (1 of 4 stars; one submission).

Submission:

GeneDx
Classification: Uncertain significance. Last evaluated: 2019-11-06. Review status: criteria provided, single submitter. Criteria: GeneDx Variant Classification Process June 2021. Collection method: clinical testing. Allele origin: germline. Affected: yes.
Comment: Not observed in large population cohorts (Lek et al., 2016); Frameshift variant predicted to result in protein truncation as the last five amino acids are lost and replaced with 69 incorrect amino acids, although loss-of-function variants have not been reported downstream of this position in the protein; Has not been previously published as pathogenic or benign to our knowledge

NM_022455.5(NSD1):c.8075_8076insTT (p.Glu2692fs)

Gene: NSD1 (nuclear receptor binding SET domain protein 1; plus strand). Cytogenetic location: 5q35.3.
Variant type: Insertion.
Coding change: c.8075_8076insTT on transcript NM_022455.5 (MANE Select); coding-DNA positions 8075 to 8076, TT inserted.
Protein change: p.Glu2692fs; shifts the reading frame from glutamic acid 2692.
Molecular consequence: frameshift variant.
Genome position: GRCh38 VCF-style: chr5-177295443-A-ATT. GRCh37 (hg19) VCF-style: chr5-176722444-A-ATT.
Other names: c.7202_7203insTT, p.Glu2401Aspfs (NM_001365684.2, NM_001409308.1, NM_172349.5); c.8075_8076insTT, p.Glu2692Aspfs (NM_001409301.1, NM_001409302.1, NM_001409303.1); c.7655_7656insTT, p.Glu2552Aspfs (NM_001409304.1); c.7322_7323insTT, p.Glu2441Aspfs (NM_001409305.1); c.7313_7314insTT, p.Glu2438Aspfs (NM_001409306.1, NM_001409307.1); c.6953_6954insTT, p.Glu2318Aspfs (NM_001409309.1); short protein forms E2423fs, E2692fs.
Identifiers: ClinVar variation 1309464 (VCV001309464.2), dbSNP rs2127285539, ClinGen allele CA2573052483.